The following is an entry in ClinVar:

ClinVar aggregate classification (germline): Likely benign. Review status: criteria provided, multiple submitters, no conflicts (2 of 4 stars). 4 submissions from 4 submitters: Likely benign (3). 1 of the submissions does not count toward it. Last evaluated 2025-12-17.

Conditions:
Hereditary acrodermatitis enteropathica (AEZ). Also called: Acrodermatitis enteropathica. Identifiers: Orphanet 37, MedGen C0221036, MONDO:0008713, OMIM 201100.

Allele frequency attached by ClinVar (database versions not stated): ExAC 0.00011; gnomAD exomes 0.00012 and 0.00015; ESP Exome Variant Server 0.00023; gnomAD 0.00036; TOPMed 0.00044; 1000 Genomes Project 30x 0.00078; 1000 Genomes Project 0.00120.
gnomAD v4.1: 266 of 1,564,930 alleles (0.017%); highest among the groups gnomAD compares: African/African-American, 0.093%; no homozygotes.

Submissions (4):

Labcorp Genetics (formerly Invitae), Labcorp
Classification: Likely benign. Last evaluated: 2025-12-17. Review status: criteria provided, single submitter. Criteria: Invitae Variant Classification Sherloc (09022015). Collection method: clinical testing. Allele origin: germline.

Blueprint Genetics
Classification: Likely benign. Last evaluated: 2024-10-29. Review status: criteria provided, single submitter. Criteria: ACMG Guidelines, 2015. Collection method: clinical testing. Allele origin: germline.

Illumina Laboratory Services, Illumina
Classification: Likely benign for Hereditary acrodermatitis enteropathica. Last evaluated: 2018-01-13. Review status: criteria provided, single submitter. Criteria: ICSL Variant Classification Criteria 13 December 2019. Collection method: clinical testing. Allele origin: germline.
Comment: This variant was observed in the ICSL laboratory as part of a predisposition screen in an ostensibly healthy population. It had not been previously curated by ICSL or reported in the Human Gene Mutation Database (HGMD: prior to June 1st, 2018), and was therefore a candidate for classification through an automated scoring system. Utilizing variant allele frequency, disease prevalence and penetrance estimates, and inheritance mode, an automated score was calculated to assess if this variant is too frequent to cause the disease. Based on the score and internal cut-off values, a variant classified as likely benign is not then subjected to further curation. The score for this variant resulted in a classification of likely benign for this disease.

Natera, Inc.
Classification: Likely benign for Acrodermatitis enteropathica. Last evaluated: 2020-06-07. Review status: no assertion criteria provided. Collection method: clinical testing. Allele origin: germline. Not counted in ClinVar's aggregate classification.

NM_130849.4(SLC39A4):c.1002G>A (p.Thr334=)

Gene: SLC39A4 (solute carrier family 39 member 4; minus strand). Cytogenetic location: 8q24.3.
Variant type: single nucleotide variant.
Coding change: c.1002G>A on transcript NM_130849.4 (MANE Select); coding-DNA position 1002, G replaced by A.
Protein change: p.Thr334=; no amino-acid change (threonine 334 retained).
Molecular consequence: synonymous variant.
Genome position (GRCh38, 1-based): chr8:144,414,409, C>T on the plus strand (G>A on the coding strand, the complement: SLC39A4 is on the minus strand). VCF-style: chr8-144414409-C-T. GRCh37 (hg19) VCF-style: chr8-145639793-C-T.
Other names: c.927G>A, p.Thr309= (NM_017767.3).
Identifiers: ClinVar variation 362244 (VCV000362244.16), dbSNP rs149524471, ClinGen allele CA4941429.